The following is an entry in ClinVar:

ClinVar aggregate classification (germline): Conflicting classifications of pathogenicity. Review status: criteria provided, conflicting classifications (1 of 4 stars). 3 submissions from 3 submitters: Uncertain significance (1); Likely benign (1). 1 of the submissions does not count toward it. Last evaluated 2026-01-24.

Conditions:
DCDC2-related disorder. Also called: DCDC2-related condition.
Autosomal recessive nonsyndromic hearing loss 66 (DFNB66). Also called: Deafness, autosomal recessive 66. Identifiers: Orphanet 90636, MedGen C1857750, MONDO:0012442, OMIM 610212.
Isolated neonatal sclerosing cholangitis (NSC). Also called: Sclerosing cholangitis, neonatal. Identifiers: Orphanet 480556, MedGen C4479344, MONDO:0018816, OMIM 617394.

Allele frequency attached by ClinVar (database versions not stated): gnomAD exomes 0.00011 and 0.00005; ExAC 0.00012; TOPMed 0.00008; ESP Exome Variant Server 0.00008; gnomAD 0.00003.
gnomAD v4.1: 79 of 1,613,684 alleles (0.0049%); highest among the groups gnomAD compares: Admixed American, 0.025%; no homozygotes.

Submissions (3):

Labcorp Genetics (formerly Invitae), Labcorp
Classification: Likely benign for Autosomal recessive nonsyndromic hearing loss 66; Isolated neonatal sclerosing cholangitis. Last evaluated: 2026-01-24. Review status: criteria provided, single submitter. Criteria: Invitae Variant Classification Sherloc (09022015). Collection method: clinical testing. Allele origin: germline.

Eurofins Ntd Llc (ga)
Classification: Uncertain significance. Last evaluated: 2017-08-08. Review status: criteria provided, single submitter. Criteria: EGL Classification Definitions 2015. Collection method: clinical testing. Allele origin: germline. Observed: 1 variant allele, 1 heterozygote.

PreventionGenetics, part of Exact Sciences
Classification: Likely benign for DCDC2-related condition. Last evaluated: 2021-09-15. Review status: no assertion criteria provided. Collection method: clinical testing. Allele origin: germline. Not counted in ClinVar's aggregate classification.
Comment: This variant is classified as likely benign based on ACMG/AMP sequence variant interpretation guidelines (Richards et al. 2015 PMID: 25741868, with internal and published modifications).

NM_016356.5(DCDC2):c.1359A>G (p.Pro453=)

Gene: DCDC2 (doublecortin domain containing 2; minus strand). Cytogenetic location: 6p22.3.
Variant type: single nucleotide variant.
Coding change: c.1359A>G on transcript NM_016356.5 (MANE Select); coding-DNA position 1359, A replaced by G.
Protein change: p.Pro453=; no amino-acid change (proline 453 retained).
Molecular consequence: synonymous variant.
Genome position (GRCh38, 1-based): chr6:24,174,802, T>C on the plus strand (A>G on the coding strand, the complement: DCDC2 is on the minus strand). VCF-style: chr6-24174802-T-C. GRCh37 (hg19) VCF-style: chr6-24175030-T-C.
Other names: c.1359A>G, p.Pro453= (NM_001195610.2); c.1359A>G (NM_016356.4).
Identifiers: ClinVar variation 593550 (VCV000593550.11), dbSNP rs374448795, ClinGen allele CA3654436.